The following is an entry in ClinVar:

ClinVar aggregate classification (germline): Uncertain significance (1 of 4 stars; one submission).

Conditions:
Autosomal recessive limb-girdle muscular dystrophy type 2P. Also called: MUSCULAR DYSTROPHY-DYSTROGLYCANOPATHY, LIMB-GIRDLE, DAG1-RELATED; Limb-Girdle Muscular Dystrophy Type 9C; MUSCULAR DYSTROPHY, LIMB-GIRDLE, TYPE 2P. Identifiers: Orphanet 280333, MedGen C4511963, MONDO:0013440, OMIM 613818.
Muscular dystrophy-dystroglycanopathy (congenital with brain and eye anomalies), type A9. Also called: Muscular dystrophy-dystroglycanopathy (congenital with brain and eye anomalies), type a, 9; WALKER-WARBURG SYNDROME OR MUSCLE-EYE BRAIN DISEASE, DAG1-RELATED. Identifiers: Orphanet 370997, Orphanet 899, MedGen C4225291, MONDO:0014683, OMIM 616538.

Allele frequency attached by ClinVar (database versions not stated): gnomAD exomes below 0.00001; ExAC 0.00001; gnomAD 0.00001.
gnomAD v4.1: 9 of 1,613,896 alleles (0.00056%); highest among the groups gnomAD compares: East Asian, 0.0022%; no homozygotes.

Submission:

Labcorp Genetics (formerly Invitae), Labcorp
Classification: Uncertain significance for Autosomal recessive limb-girdle muscular dystrophy type 2P; Muscular dystrophy-dystroglycanopathy (congenital with brain and eye anomalies), type A9. Last evaluated: 2022-06-27. Review status: criteria provided, single submitter. Criteria: Invitae Variant Classification Sherloc (09022015). Collection method: clinical testing. Allele origin: germline.
Comment: This sequence change replaces arginine, which is basic and polar, with glutamine, which is neutral and polar, at codon 461 of the DAG1 protein (p.Arg461Gln). This variant is present in population databases (rs755343255, gnomAD 0.0009%). This variant has not been reported in the literature in individuals affected with DAG1-related conditions. Algorithms developed to predict the effect of missense changes on protein structure and function (SIFT, PolyPhen-2, Align-GVGD) all suggest that this variant is likely to be tolerated. Algorithms developed to predict the effect of sequence changes on RNA splicing suggest that this variant may create or strengthen a splice site. In summary, the available evidence is currently insufficient to determine the role of this variant in disease. Therefore, it has been classified as a Variant of Uncertain Significance.

NM_004393.6(DAG1):c.1382G>A (p.Arg461Gln)

Gene: DAG1 (dystroglycan 1; plus strand). Cytogenetic location: 3p21.31.
Variant type: single nucleotide variant.
Coding change: c.1382G>A on transcript NM_004393.6 (MANE Select); coding-DNA position 1382, G replaced by A.
Protein change: p.Arg461Gln; replaces arginine 461 with glutamine.
Molecular consequence: missense variant.
Genome position (GRCh38, 1-based): chr3:49,531,893, G>A. VCF-style: chr3-49531893-G-A. GRCh37 (hg19) VCF-style: chr3-49569326-G-A.
Other names: c.1382G>A, p.Arg461Gln (NM_001177644.3, NM_001165928.4, NM_001177634.3 and 9 more transcripts); short protein forms R461Q.
Identifiers: ClinVar variation 1389903 (VCV001389903.3), dbSNP rs755343255, ClinGen allele CA2399072.